The following is an entry in ClinVar:

NM_000175.5(GPI):c.519A>G (p.Pro173=)

Gene: GPI (glucose-6-phosphate isomerase; plus strand). Cytogenetic location: 19q13.11.
Variant type: single nucleotide variant.
Coding change: c.519A>G on transcript NM_000175.5 (MANE Select); coding-DNA position 519, A replaced by G.
Protein change: p.Pro173=; no amino-acid change (proline 173 retained).
Molecular consequence: synonymous variant.
Genome position (GRCh38, 1-based): chr19:34,377,767, A>G. VCF-style: chr19-34377767-A-G. GRCh37 (hg19) VCF-style: chr19-34868672-A-G.
Other names: c.552A>G, p.Pro184= (NM_001184722.1); c.636A>G, p.Pro212= (NM_001289789.1); c.435A>G, p.Pro145= (NM_001289790.3); c.519A>G, p.Pro173= (NM_001329909.1, NM_001329910.1, NM_001329911.2).
Identifiers: ClinVar variation 2649705 (VCV002649705.24), dbSNP rs2074571028, ClinGen allele CA506999601.

ClinVar aggregate classification (germline): Likely benign (1 of 4 stars; one submission).

Allele frequency attached by ClinVar (database versions not stated): gnomAD exomes below 0.00001; TOPMed 0.00001.
gnomAD v4.1: 3 of 1,613,920 alleles (0.00019%); highest among the groups gnomAD compares: African/African-American, 0.0027%; no homozygotes.

Submission:

CeGaT Center for Human Genetics Tuebingen
Classification: Likely benign. Last evaluated: 2022-12-01. Review status: criteria provided, single submitter. Criteria: CeGaT Center For Human Genetics Tuebingen Variant Classification Criteria Version 2. Collection method: clinical testing. Allele origin: germline. Affected: yes. Observed: 1 variant allele.
Comment: GPI: PM2:Supporting, BP4, BP7